The following is an entry in ClinVar:

ClinVar aggregate classification (germline): Uncertain significance (1 of 4 stars; one submission).

Submission:

Laboratory for Molecular Medicine, Mass General Brigham Personalized Medicine
Classification: Uncertain significance. Last evaluated: 2012-04-03. Review status: criteria provided, single submitter. Criteria: LMM Criteria. Collection method: clinical testing. Allele origin: germline. Observed: 1 variant allele.
Comment: Variant classified as Uncertain Significance - Favor Benign. The Ile31182Met var iant in TTN has not been reported in the literature nor previously identified by our laboratory. Ile at position 31182 is conserved in mammals, but not in more distantly related species. Computational analyses (biochemical amino acid proper ties, AlignGVGD, and SIFT) do not provide strong support for or against an impac t to the protein. In summary, additional information is needed to fully assess t he clinical significance of this variant.

NM_001267550.2(TTN):c.101250C>G (p.Ile33750Met)

Genes: TTN (titin; minus strand), TTN-AS1 (TTN antisense RNA 1; plus strand). Cytogenetic location: 2q31.2.
Variant type: single nucleotide variant.
Coding change: c.101250C>G on transcript NM_001267550.2 (MANE Select); coding-DNA position 101250, C replaced by G.
Protein change: p.Ile33750Met; replaces isoleucine 33750 with methionine.
Molecular consequence: missense variant.
Genome position (GRCh38, 1-based): chr2:178,535,365, G>C on the plus strand (C>G on the coding strand, the complement: TTN is on the minus strand). VCF-style: chr2-178535365-G-C. GRCh37 (hg19) VCF-style: chr2-179400092-G-C.
Other names: c.93546C>G, p.Ile31182Met (NM_133378.4); c.96327C>G, p.Ile32109Met (NM_001256850.1); c.74055C>G, p.Ile24685Met (NM_003319.4); c.74430C>G, p.Ile24810Met (NM_133432.3); c.74631C>G, p.Ile24877Met (NM_133437.4); short protein forms I33750M, I31182M, I24685M, I24877M, I24810M, I32109M.
Identifiers: ClinVar variation 47635 (VCV000047635.5), dbSNP rs397517784, ClinGen allele CA141557.